The following is an entry in ClinVar:

ClinVar aggregate classification (germline): Likely benign (0 of 4 stars; one submission).

Conditions:
SEMA3G-related disorder. Also called: SEMA3G-related condition.

Allele frequency attached by ClinVar (database versions not stated): gnomAD exomes 0.00002; ExAC 0.00003; gnomAD 0.00001; TOPMed 0.00001.
gnomAD v4.1: 37 of 1,613,624 alleles (0.0023%); highest among the groups gnomAD compares: South Asian, 0.015%; no homozygotes.

Submission:

PreventionGenetics, part of Exact Sciences
Classification: Likely benign for SEMA3G-related condition. Last evaluated: 2022-02-17. Review status: no assertion criteria provided. Collection method: clinical testing. Allele origin: germline.
Comment: This variant is classified as likely benign based on ACMG/AMP sequence variant interpretation guidelines (Richards et al. 2015 PMID: 25741868, with internal and published modifications).

NM_020163.3(SEMA3G):c.1944C>T (p.Phe648=)

Gene: SEMA3G (semaphorin 3G; minus strand). Cytogenetic location: 3p21.1.
Variant type: single nucleotide variant.
Coding change: c.1944C>T on transcript NM_020163.3 (MANE Select); coding-DNA position 1944, C replaced by T.
Protein change: p.Phe648=; no amino-acid change (phenylalanine 648 retained).
Molecular consequence: synonymous variant.
Genome position (GRCh38, 1-based): chr3:52,436,008, G>A on the plus strand (C>T on the coding strand, the complement: SEMA3G is on the minus strand). VCF-style: chr3-52436008-G-A. GRCh37 (hg19) VCF-style: chr3-52470024-G-A.
Identifiers: ClinVar variation 3054582 (VCV003054582.2), dbSNP rs767461567, ClinGen allele CA2437751.
Genomic context (GRCh38, chr3:52,436,008, plus strand): 5'-GCGGACCACAGTCTGGGAGAAGCCATGCTCCAGAGTGGTGCAGGTGTAGGTGCCCGCATC[G>A]AAACGGCTAAGCCTGCGGAACAGCAGCCCCCGCTCCGTGTGCAAGACTCGCTCGTCCGTC-3'
Protein context (NP_064548.1, residues 638-658): RGLLFRRLSR[Phe648=]DAGTYTCTTL